The following is an entry in ClinVar:

NM_007129.5(ZIC2):c.679G>A (p.Ala227Thr)

Gene: ZIC2 (Zic family zinc finger 2; plus strand). Cytogenetic location: 13q32.3.
Variant type: single nucleotide variant.
Coding change: c.679G>A on transcript NM_007129.5 (MANE Select); coding-DNA position 679, G replaced by A.
Protein change: p.Ala227Thr; replaces alanine 227 with threonine.
Molecular consequence: missense variant.
Genome position (GRCh38, 1-based): chr13:99,982,743, G>A. VCF-style: chr13-99982743-G-A. GRCh37 (hg19) VCF-style: chr13-100634997-G-A.
Other names: short protein forms A227T.
Identifiers: ClinVar variation 3713183 (VCV003713183.2).

ClinVar aggregate classification (germline): Uncertain significance (1 of 4 stars; one submission).

Conditions:
Holoprosencephaly 5 (HPE5). Identifiers: Orphanet 2162, MedGen C1864827, MONDO:0012322, OMIM 609637.

Submission:

Labcorp Genetics (formerly Invitae), Labcorp
Classification: Uncertain significance for Holoprosencephaly 5. Last evaluated: 2024-09-14. Review status: criteria provided, single submitter. Criteria: Invitae Variant Classification Sherloc (09022015). Collection method: clinical testing. Allele origin: germline.
Comment: This sequence change replaces alanine, which is neutral and non-polar, with threonine, which is neutral and polar, at codon 227 of the ZIC2 protein (p.Ala227Thr). This variant is not present in population databases (gnomAD no frequency). This variant has not been reported in the literature in individuals affected with ZIC2-related conditions. An algorithm developed to predict the effect of missense changes on protein structure and function (PolyPhen-2) suggests that this variant is likely to be disruptive. In summary, the available evidence is currently insufficient to determine the role of this variant in disease. Therefore, it has been classified as a Variant of Uncertain Significance.